The following is an entry in ClinVar:

ClinVar aggregate classification (germline): Conflicting classifications of pathogenicity. Review status: criteria provided, conflicting classifications (1 of 4 stars). 2 submissions from 2 submitters: Uncertain significance (1); Likely benign (1). Last evaluated 2024-10-30.

Conditions:
Cardiovascular phenotype. Identifiers: MedGen CN230736.

Allele frequency attached by ClinVar (database versions not stated): TOPMed 0.00001; gnomAD 0.00003; 1000 Genomes Project 30x 0.00047; 1000 Genomes Project 0.00060.
gnomAD v4.1: 33 of 1,606,302 alleles (0.0021%); highest among the groups gnomAD compares: East Asian, 0.042%; no homozygotes.

Submissions (2):

Ambry Genetics
Classification: Likely benign for Cardiovascular phenotype. Last evaluated: 2024-10-30. Review status: criteria provided, single submitter. Criteria: Ambry Variant Classification Scheme 2023. Collection method: clinical testing. Allele origin: germline.

GeneDx
Classification: Uncertain significance. Last evaluated: 2022-06-01. Review status: criteria provided, single submitter. Criteria: GeneDx Variant Classification Process June 2021. Collection method: clinical testing. Allele origin: germline. Affected: yes.
Comment: In silico analysis supports that this missense variant does not alter protein structure/function; Has not been previously published as pathogenic or benign to our knowledge

NM_001365276.2(TNXB):c.2882A>G (p.Gln961Arg)

Gene: TNXB (tenascin XB; minus strand). Cytogenetic location: 6p21.33.
Variant type: single nucleotide variant.
Coding change: c.2882A>G on transcript NM_001365276.2 (MANE Select); coding-DNA position 2882, A replaced by G.
Protein change: p.Gln961Arg; replaces glutamine 961 with arginine.
Molecular consequence: missense variant.
Genome position (GRCh38, 1-based): chr6:32,086,016, T>C on the plus strand (A>G on the coding strand, the complement: TNXB is on the minus strand). VCF-style: chr6-32086016-T-C. GRCh37 (hg19) VCF-style: chr6-32053793-T-C.
Other names: c.2882A>G, p.Gln961Arg (NM_019105.8); short protein forms Q961R.
Identifiers: ClinVar variation 1797187 (VCV001797187.4), dbSNP rs551174904, ClinGen allele CA3735300.